The following is an entry in ClinVar:

NM_012210.4(TRIM32):c.1059G>A (p.Gln353=)

Genes: ASTN2 (astrotactin 2; minus strand), TRIM32 (tripartite motif containing 32; plus strand). Cytogenetic location: 9q33.1.
Variant type: single nucleotide variant.
Coding change: c.1059G>A on transcript NM_012210.4 (MANE Select); coding-DNA position 1059, G replaced by A.
Protein change: p.Gln353=; no amino-acid change (glutamine 353 retained).
Molecular consequence: synonymous variant. On other transcripts: intron variant (3).
Genome position (GRCh38, 1-based): chr9:116,698,801, G>A. VCF-style: chr9-116698801-G-A. GRCh37 (hg19) VCF-style: chr9-119461080-G-A.
Other names: c.1059G>A, p.Gln353= (NM_001099679.2, NM_001379048.1, NM_001379049.1 and 1 more transcripts); c.2653+26970C>T (NM_014010.5); c.2794+26970C>T (NM_001365069.1); c.2806+26970C>T (NM_001365068.1).
Identifiers: ClinVar variation 2900104 (VCV002900104.4), dbSNP rs1861021944, ClinGen allele CA466916378.
Genomic context (GRCh38, chr9:116,698,801, plus strand): 5'-TGCCAGCCCTAGGGCCTCACCTGCTAAACAGCGGGGTCCTGAGGCAGCCTCCAATATCCA[G>A]CAGTGCCTCTTTCTCAAGAAGATGGGGGCCAAAGGCAGCACTCCAGGAATGTTCAATCTT-3'
Protein context (NP_036342.2, residues 343-363): QRGPEAASNI[Gln353=]QCLFLKKMGA

ClinVar aggregate classification (germline): Likely benign. Review status: criteria provided, multiple submitters, no conflicts (2 of 4 stars). 2 submissions from 2 submitters: Likely benign (2). Last evaluated 2024-10-28.

Conditions:
Bardet-Biedl syndrome (BBS). Identifiers: Orphanet 110, MedGen C0752166, MONDO:0015229.
TRIM32-related disorder. Also called: TRIM32-related condition.

Allele frequency attached by ClinVar (database versions not stated): gnomAD exomes below 0.00001; TOPMed below 0.00001.
gnomAD v4.1: 5 of 1,614,194 alleles (0.00031%); highest among the groups gnomAD compares: Middle Eastern, 0.016%; no homozygotes.

Submissions (2):

PreventionGenetics, part of Exact Sciences
Classification: Likely benign for TRIM32-related condition. Last evaluated: 2024-10-28. Review status: criteria provided, single submitter. Criteria: ACMG Guidelines, 2015. Collection method: clinical testing. Allele origin: germline.
Comment: This variant is classified as likely benign based on ACMG/AMP sequence variant interpretation guidelines (Richards et al. 2015 PMID: 25741868, with internal and published modifications).

Labcorp Genetics (formerly Invitae), Labcorp
Classification: Likely benign for Bardet-Biedl syndrome. Last evaluated: 2023-08-10. Review status: criteria provided, single submitter. Criteria: Invitae Variant Classification Sherloc (09022015). Collection method: clinical testing. Allele origin: germline.